The following is an entry in ClinVar:

ClinVar aggregate classification (germline): Uncertain significance. Review status: criteria provided, multiple submitters, no conflicts (2 of 4 stars). 2 submissions from 2 submitters: Uncertain significance (2). Last evaluated 2025-11-11.

Conditions:
Erythrocytosis, familial, 3 (ECYT3). Identifiers: Orphanet 247511, MedGen C1853286, MONDO:0012353, OMIM 609820.

Allele frequency attached by ClinVar (database versions not stated): gnomAD 0.00001; gnomAD exomes 0.00001; TOPMed 0.00003.
gnomAD v4.1: 11 of 1,310,116 alleles (0.00084%); highest among the groups gnomAD compares: African/African-American, 0.0047%; no homozygotes.

Submissions (2):

Ambry Genetics
Classification: Uncertain significance. Last evaluated: 2025-11-11. Review status: criteria provided, single submitter. Criteria: Ambry Variant Classification Scheme 2023. Collection method: clinical testing. Allele origin: germline.
Comment: The p.A124V variant (also known as c.371C>T), located in coding exon 1 of the EGLN1 gene, results from a C to T substitution at nucleotide position 371. The alanine at codon 124 is replaced by valine, an amino acid with similar properties. This amino acid position is conserved. In addition, this alteration is predicted to be tolerated by in silico analysis. Since supporting evidence is limited at this time, the clinical significance of this alteration remains unclear.

Labcorp Genetics (formerly Invitae), Labcorp
Classification: Uncertain significance for Erythrocytosis, familial, 3. Last evaluated: 2025-07-06. Review status: criteria provided, single submitter. Criteria: Invitae Variant Classification Sherloc (09022015). Collection method: clinical testing. Allele origin: germline.
Comment: This sequence change replaces alanine, which is neutral and non-polar, with valine, which is neutral and non-polar, at codon 124 of the EGLN1 protein (p.Ala124Val). This variant is present in population databases (no rsID available, gnomAD 0.01%). This variant has not been reported in the literature in individuals affected with EGLN1-related conditions. ClinVar contains an entry for this variant (Variation ID: 1437082). An algorithm developed to predict the effect of missense changes on protein structure and function (PolyPhen-2) suggests that this variant is likely to be disruptive. In summary, the available evidence is currently insufficient to determine the role of this variant in disease. Therefore, it has been classified as a Variant of Uncertain Significance.

NM_022051.3(EGLN1):c.371C>T (p.Ala124Val)

Gene: EGLN1 (egl-9 family hypoxia inducible factor 1; minus strand). Cytogenetic location: 1q42.2.
Variant type: single nucleotide variant.
Coding change: c.371C>T on transcript NM_022051.3 (MANE Select); coding-DNA position 371, C replaced by T.
Protein change: p.Ala124Val; replaces alanine 124 with valine.
Molecular consequence: missense variant.
Genome position (GRCh38, 1-based): chr1:231,421,518, G>A on the plus strand (C>T on the coding strand, the complement: EGLN1 is on the minus strand). VCF-style: chr1-231421518-G-A. GRCh37 (hg19) VCF-style: chr1-231557264-G-A.
Other names: c.371C>T, p.Ala124Val (NM_001377260.1, NM_001377261.1); short protein forms A124V.
Identifiers: ClinVar variation 1437082 (VCV001437082.11), dbSNP rs972861708, ClinGen allele CA38948844.
Genomic context (GRCh38, chr1:231,421,518, plus strand): 5'-GGCTCGGCTTCGGCAGCCACCGCCGAGCCCTGGCCGCCGGCGGCCGCACGACACGGCGAC[G>A]CGGCCGCCGCTGGGTCGGCCGGGGGCTTGGCCTTTACTTTTCCCTTGGCCGCGTCCCCGG-3'
Protein context (NP_071334.1, residues 114-134): AKPPADPAAA[Ala124Val]SPCRAAAGGQ